The following is an entry in ClinVar:

NM_000642.3(AGL):c.*1581G>C

Gene: AGL (amylo-alpha-1,6-glucosidase and 4-alpha-glucanotransferase; plus strand). Cytogenetic location: 1p21.2.
Variant type: single nucleotide variant.
Coding change: c.*1581G>C on transcript NM_000642.3 (MANE Select); 1581 bases downstream of the stop codon, G replaced by C.
Molecular consequence: 3 prime UTR variant.
Genome position (GRCh38, 1-based): chr1:99,923,232, G>C. VCF-style: chr1-99923232-G-C. GRCh37 (hg19) VCF-style: chr1-100388788-G-C.
Other names: c.*1581G>C (NM_000028.3, NM_000643.3, NM_000644.3 and 7 more transcripts).
Identifiers: ClinVar variation 877025 (VCV000877025.4), dbSNP rs76338815, ClinGen allele CA27565962.

ClinVar aggregate classification (germline): Likely benign (1 of 4 stars; one submission).

Conditions:
Glycogen storage disease type III (GSD3). Also called: FORBES DISEASE; Cori disease. Identifiers: Orphanet 366, MedGen C0017922, MONDO:0009291, OMIM 232400.

Allele frequency attached by ClinVar (database versions not stated): gnomAD 0.00037 and 0.00045; TOPMed 0.00137; 1000 Genomes Project 30x 0.00203; 1000 Genomes Project 0.00220.

Submission:

Illumina Laboratory Services, Illumina
Classification: Likely benign for Glycogen storage disease type III. Last evaluated: 2018-01-12. Review status: criteria provided, single submitter. Criteria: ICSL Variant Classification Criteria 13 December 2019. Collection method: clinical testing. Allele origin: germline.
Comment: This variant was observed in the ICSL laboratory as part of a predisposition screen in an ostensibly healthy population. It had not been previously curated by ICSL or reported in the Human Gene Mutation Database (HGMD: prior to June 1st, 2018), and was therefore a candidate for classification through an automated scoring system. Utilizing variant allele frequency, disease prevalence and penetrance estimates, and inheritance mode, an automated score was calculated to assess if this variant is too frequent to cause the disease. Based on the score and internal cut-off values, a variant classified as likely benign is not then subjected to further curation. The score for this variant resulted in a classification of likely benign for this disease.